The following is an entry in ClinVar:

ClinVar aggregate classification (germline): Likely benign. Review status: criteria provided, multiple submitters, no conflicts (2 of 4 stars). 8 submissions from 8 submitters: Likely benign (5). 3 of the submissions do not count toward it. Last evaluated 2025-01-22.

Conditions:
DSP-related disorder. Also called: DSP-related condition; DSP-related disorders.
Cardiovascular phenotype. Identifiers: MedGen CN230736.
Arrhythmogenic right ventricular dysplasia 8 (ARVD8). Also called: Arrhythmogenic Right Ventricular Dysplasia/Cardiomyopathy 8; ARRHYTHMOGENIC RIGHT VENTRICULAR DYSPLASIA, FAMILIAL, 8; ARRHYTHMOGENIC RIGHT VENTRICULAR CARDIOMYOPATHY 8. Identifiers: MedGen C1843896, MONDO:0011831, OMIM 607450.
Arrhythmogenic cardiomyopathy with wooly hair and keratoderma. Also called: Arrhythmogenic cardiomyopathy with woolly hair and keratoderma; Dilated cardiomyopathy with woolly hair and keratoderma; PALMOPLANTAR KERATODERMA WITH LEFT VENTRICULAR CARDIOMYOPATHY AND WOOLLY HAIR; Carvajal syndrome. Identifiers: Orphanet 65282, MedGen C1854063, MONDO:0011581, OMIM 605676.
Cardiomyopathy (CMYO). Also called: Cardiomyopathies. Identifiers: Orphanet 167848, MedGen C0878544, MONDO:0004994, HP:0001638. Inheritance: Various modes of inheritance.

Submissions (8):

Labcorp Genetics (formerly Invitae), Labcorp
Classification: Likely benign for Arrhythmogenic cardiomyopathy with wooly hair and keratoderma; Arrhythmogenic right ventricular dysplasia 8. Last evaluated: 2025-01-22. Review status: criteria provided, single submitter. Criteria: Invitae Variant Classification Sherloc (09022015). Collection method: clinical testing. Allele origin: germline.

GeneDx
Classification: Likely benign. Last evaluated: 2021-12-21. Review status: criteria provided, single submitter. Criteria: GeneDx Variant Classification Process June 2021. Collection method: clinical testing. Allele origin: germline. Affected: yes.

Color Diagnostics, LLC DBA Color Health
Classification: Likely benign for Cardiomyopathy. Last evaluated: 2020-12-04. Review status: criteria provided, single submitter. Criteria: ACMG Guidelines, 2015. Collection method: clinical testing. Allele origin: germline.

Ambry Genetics
Classification: Likely benign for Cardiovascular phenotype. Last evaluated: 2018-10-03. Review status: criteria provided, single submitter. Criteria: Ambry Variant Classification Scheme 2023. Collection method: clinical testing. Allele origin: germline.

Laboratory for Molecular Medicine, Mass General Brigham Personalized Medicine
Classification: Likely benign. Last evaluated: 2013-09-20. Review status: criteria provided, single submitter. Criteria: LMM Criteria. Collection method: clinical testing. Allele origin: germline. Observed: 1 variant allele.
Comment: Ser2843_Arg2846del in exon 24 of DSP: This variant has not been reported in ind ividuals with cardiomyopathy or in large population studies and is not expected to have clinical significance. It was previously identified in 0.7% (61/8254) of European American chromosomes by the NHLBI Exome Sequencing Project; however, t hat data is no longer available. This varian t was not identified in a cohort of 350 chromosomes of mixed race with ARVC; how ever, it was idenitified in 1/854 healthy, race-matched control chromosomes (Kap plinger 2011). This in-frame deletion of four amino acids occurs within a sectio n of repeating amino acids, which can result from several different DNA deletion s, and is present in at least three mammals (dolphin, opossum, and platypus) and other evolutionarily distant species. Although this data supports that the Ser2 843_Arg2846del variant may be benign, additional studies are needed to fully ass ess its clinical significance.

PreventionGenetics, part of Exact Sciences
Classification: Likely benign for DSP-related condition. Last evaluated: 2022-06-22. Review status: no assertion criteria provided. Collection method: clinical testing. Allele origin: germline. Not counted in ClinVar's aggregate classification.
Comment: This variant is classified as likely benign based on ACMG/AMP sequence variant interpretation guidelines (Richards et al. 2015 PMID: 25741868, with internal and published modifications).

Clinical Genetics DNA and cytogenetics Diagnostics Lab, Erasmus MC, Erasmus Medical Center
Classification: Likely benign. Review status: no assertion criteria provided. Collection method: clinical testing. Allele origin: germline. Affected: yes. Study: VKGL Data-share Consensus. Not counted in ClinVar's aggregate classification.

Genome Diagnostics Laboratory, University Medical Center Utrecht
Classification: Likely benign. Review status: no assertion criteria provided. Collection method: clinical testing. Allele origin: germline. Affected: yes. Study: VKGL Data-share Consensus. Not counted in ClinVar's aggregate classification.

Literature cited by the submitters: PubMed 21636032 (cited by Ambry Genetics and Laboratory for Molecular Medicine, Mass General Brigham Personalized Medicine).

NM_004415.4(DSP):c.8487_8498del (p.2827_2830SGSR[4])

Gene: DSP (desmoplakin; plus strand). Cytogenetic location: 6p24.3.
Variant type: Deletion.
Coding change: c.8487_8498del on transcript NM_004415.4 (MANE Select); coding-DNA positions 8487 to 8498, 12 bases deleted (CCGCTCGGGATC).
Protein change: p.2827_2830SGSR[4].
Genome position (GRCh38, 1-based): chr6:7,585,749-7,585,760, CCGCTCGGGATC deleted; deleting any 12 consecutive bases within chr6:7,585,747-7,585,760 gives the same sequence; the c. name uses the placement nearest the transcript's 3' end. VCF-style (leftmost placement, unchanged base first): chr6-7585746-CTCCCGCTCGGGA-C. GRCh37 (hg19) VCF-style: chr6-7585979-CTCCCGCTCGGGA-C.
Other names: c.8487_8498delCCGCTCGGGATC (NM_004415.2); c.6690_6701del, p.2228_2231SGSR[4] (NM_001008844.3); c.7158_7169del, p.2384_2387SGSR[4] (NM_001319034.2); c.8487_8498del12 (NM_004415.3).
Identifiers: ClinVar variation 179202 (VCV000179202.24), dbSNP rs727504704, ClinGen allele CA007642.